The following is an entry in ClinVar:

ClinVar aggregate classification (germline): Uncertain significance. Review status: criteria provided, multiple submitters, no conflicts (2 of 4 stars). 2 submissions from 2 submitters: Uncertain significance (2). Last evaluated 2025-11-20.

Conditions:
Inborn genetic diseases. Identifiers: MedGen C0950123, MeSH D030342.

Allele frequency attached by ClinVar (database versions not stated): TOPMed 0.00002; gnomAD 0.00004.
gnomAD v4.1: 19 of 1,613,400 alleles (0.0012%); highest among the groups gnomAD compares: Middle Eastern, 0.016%; no homozygotes.

Submissions (2):

Ambry Genetics
Classification: Uncertain significance for Inborn genetic diseases. Last evaluated: 2025-11-20. Review status: criteria provided, single submitter. Criteria: Ambry Variant Classification Scheme 2023. Collection method: clinical testing. Allele origin: germline.

Labcorp Genetics (formerly Invitae), Labcorp
Classification: Uncertain significance. Last evaluated: 2022-08-20. Review status: criteria provided, single submitter. Criteria: Invitae Variant Classification Sherloc (09022015). Collection method: clinical testing. Allele origin: germline.
Comment: This sequence change replaces valine, which is neutral and non-polar, with methionine, which is neutral and non-polar, at codon 644 of the SEC24D protein (p.Val644Met). This variant is present in population databases (rs768785944, gnomAD 0.01%). This variant has not been reported in the literature in individuals affected with SEC24D-related conditions. Algorithms developed to predict the effect of missense changes on protein structure and function are either unavailable or do not agree on the potential impact of this missense change (SIFT: "Not Available"; PolyPhen-2: "Possibly Damaging"; Align-GVGD: "Not Available"). In summary, the available evidence is currently insufficient to determine the role of this variant in disease. Therefore, it has been classified as a Variant of Uncertain Significance.

NM_014822.4(SEC24D):c.1930G>A (p.Val644Met)

Gene: SEC24D (SEC24 homolog D, COPII component; minus strand). Cytogenetic location: 4q26.
Variant type: single nucleotide variant.
Coding change: c.1930G>A on transcript NM_014822.4 (MANE Select); coding-DNA position 1930, G replaced by A.
Protein change: p.Val644Met; replaces valine 644 with methionine.
Molecular consequence: missense variant.
Genome position (GRCh38, 1-based): chr4:118,744,053, C>T on the plus strand (G>A on the coding strand, the complement: SEC24D is on the minus strand). VCF-style: chr4-118744053-C-T. GRCh37 (hg19) VCF-style: chr4-119665208-C-T.
Other names: c.1933G>A, p.Val645Met (NM_001318066.2); c.1930G>A (NM_014822.2); short protein forms V644M, V645M.
Identifiers: ClinVar variation 2056026 (VCV002056026.4), dbSNP rs768785944, ClinGen allele CA3057113.